The following is an entry in ClinVar:

NM_020638.3(FGF23):c.535C>T (p.Arg179Trp)

Gene: FGF23 (fibroblast growth factor 23; minus strand). Cytogenetic location: 12p13.32.
Variant type: single nucleotide variant.
Coding change: c.535C>T on transcript NM_020638.3 (MANE Select); coding-DNA position 535, C replaced by T.
Protein change: p.Arg179Trp; replaces arginine 179 with tryptophan.
Molecular consequence: missense variant.
Genome position (GRCh38, 1-based): chr12:4,370,564, G>A on the plus strand (C>T on the coding strand, the complement: FGF23 is on the minus strand). VCF-style: chr12-4370564-G-A. GRCh37 (hg19) VCF-style: chr12-4479730-G-A.
Other names: short protein forms R179W.
Identifiers: ClinVar variation 5026 (VCV000005026.10), dbSNP rs28937882, ClinGen allele CA117218.

ClinVar aggregate classification (germline): Pathogenic/Likely pathogenic. Review status: criteria provided, multiple submitters, no conflicts (2 of 4 stars). 4 submissions from 4 submitters: Pathogenic (2); Likely pathogenic (1). 1 of the submissions does not count toward it. Last evaluated 2025-12-22.

Conditions:
Autosomal dominant hypophosphatemic rickets (ADHR). Also called: HYPOPHOSPHATEMIA, AUTOSOMAL DOMINANT; VITAMIN D-RESISTANT RICKETS, AUTOSOMAL DOMINANT. Identifiers: Orphanet 89937, MedGen C0342642, MONDO:0008660, OMIM 193100.

Submissions (4):

GeneDx
Classification: Likely pathogenic. Last evaluated: 2025-12-22. Review status: criteria provided, single submitter. Criteria: GeneDx Variant Classification Process June 2021. Collection method: clinical testing. Allele origin: germline. Affected: yes.
Comment: In silico analysis supports that this missense variant has a deleterious effect on protein structure/function; Not observed at significant frequency in large population cohorts (gnomAD); This variant is associated with the following publications: (PMID: 21880793, 22714041, 32415663, 11062477, 31486862)

Labcorp Genetics (formerly Invitae), Labcorp
Classification: Pathogenic. Last evaluated: 2024-11-30. Review status: criteria provided, single submitter. Criteria: Invitae Variant Classification Sherloc (09022015). Collection method: clinical testing. Allele origin: germline.
Comment: This sequence change replaces arginine, which is basic and polar, with tryptophan, which is neutral and slightly polar, at codon 179 of the FGF23 protein (p.Arg179Trp). This variant is not present in population databases (gnomAD no frequency). This missense change has been observed in individuals with autosomal dominant hypophosphatemic rickets (PMID: 11062477, 21880793, 31486862, 32415663). It has also been observed to segregate with disease in related individuals. ClinVar contains an entry for this variant (Variation ID: 5026). Invitae Evidence Modeling of protein sequence and biophysical properties (such as structural, functional, and spatial information, amino acid conservation, physicochemical variation, residue mobility, and thermodynamic stability) indicates that this missense variant is expected to disrupt FGF23 protein function with a positive predictive value of 95%. This variant disrupts the p.Arg179 amino acid residue in FGF23. Other variant(s) that disrupt this residue have been determined to be pathogenic (PMID: 11062477, 21880793, 26186302). This suggests that this residue is clinically significant, and that variants that disrupt this residue are likely to be disease-causing. For these reasons, this variant has been classified as Pathogenic.

Institute of Human Genetics Munich, TUM University Hospital
Classification: Pathogenic for Autosomal dominant hypophosphatemic rickets. Last evaluated: 2013-12-05. Review status: criteria provided, single submitter. Criteria: Classification criteria August 2017. Collection method: clinical testing. Allele origin: germline. Inheritance: Autosomal dominant inheritance. Affected: yes. Observed: 1 heterozygote.

OMIM
Classification: Pathogenic for HYPOPHOSPHATEMIC RICKETS, AUTOSOMAL DOMINANT. Last evaluated: 2000-11-01. Review status: no assertion criteria provided. Collection method: literature only. Allele origin: germline. Not counted in ClinVar's aggregate classification.

Literature cited by the submitters: PubMed 11062477 (cited by 3 submitters); PubMed 21880793 (cited by Labcorp Genetics (formerly Invitae), Labcorp); PubMed 31486862 (cited by Labcorp Genetics (formerly Invitae), Labcorp); PubMed 32415663 (cited by Labcorp Genetics (formerly Invitae), Labcorp); PubMed 26186302 (cited by Labcorp Genetics (formerly Invitae), Labcorp); PubMed 1353055 (cited by OMIM).